The following is an entry in ClinVar:

ClinVar aggregate classification (germline): Likely benign (1 of 4 stars; one submission).

Conditions:
Myeloproliferative neoplasm. Identifiers: Orphanet 98274, MedGen C1292778, MONDO:0020076.

Submission:

Dept of Medical Biology, Uskudar University
Classification: Likely benign for Myeloproliferative neoplasm. Last evaluated: 2026-09-23. Review status: criteria provided, single submitter. Criteria: Dept of Medical Biology Variant Classification. Collection method: research. Allele origin: germline. Affected: yes. Observed: 1 variant allele.
Comment: BS1_supporting: allele frequency 2.7e-04 in the African population and 4.5e-05 in exomes in gnomAD v4.1. BP3: in-frame deletion of one residue in the repetitive acidic region of exon 9; no frameshift. BS1 was applied at full strength where the gnomAD v4.1 grpmax filtering allele frequency exceeds 2.5e-04 (PMID:28518168) and at supporting strength where only the unfiltered population frequency does. Classified as likely benign under the ACMG/AMP 2015 guidelines (PMID:25741868). Detected in a retrospective series of 256 BCR::ABL1-negative and JAK2 V617F-negative patients referred for molecular investigation of a suspected myeloproliferative neoplasm (May 2007 to January 2015) and re-interpreted under the ACMG/AMP 2015 criteria.

NM_004343.4(CALR):c.1215GGA[1] (p.Glu407del)

Gene: CALR (calreticulin; plus strand). Cytogenetic location: 19p13.13.
Variant type: Microsatellite.
Coding change: c.1215GGA[1] on transcript NM_004343.4 (MANE Select); one copy of the 3-base unit GGA starting at c.1215; the reference has two copies in a row; one copy, 3 bases deleted; also written c.1218_1220del.
Protein change: p.Glu407del; deletes glutamic acid 407.
Genome position (GRCh38, 1-based): chr19:12,943,877-12,943,879, GGA deleted; deleting any 3 consecutive bases within chr19:12,943,872-12,943,879 gives the same sequence; the position shown is the placement nearest the transcript's 3' end. VCF-style (leftmost placement, unchanged base first): chr19-12943871-TGAG-T. GRCh37 (hg19) VCF-style: chr19-13054685-TGAG-T.
Other names: c.1218_1220del (NM_004343.4); short protein forms E407del.
Identifiers: ClinVar variation 5036703 (VCV005036703.1).